The following is an entry in ClinVar:

ClinVar aggregate classification (germline): Uncertain significance (1 of 4 stars; one submission).

Allele frequency attached by ClinVar (database versions not stated): ExAC 0.00001; ESP Exome Variant Server 0.00008.

Submission:

Labcorp Genetics (formerly Invitae), Labcorp
Classification: Uncertain significance. Last evaluated: 2021-06-07. Review status: criteria provided, single submitter. Criteria: Invitae Variant Classification Sherloc (09022015). Collection method: clinical testing. Allele origin: germline.
Comment: This sequence change replaces glutamic acid with glutamine at codon 885 of the MICAL1 protein (p.Glu885Gln). The glutamic acid residue is moderately conserved and there is a small physicochemical difference between glutamic acid and glutamine. This variant is present in population databases (rs142601388, ExAC 0.01%). This variant has not been reported in the literature in individuals with MICAL1-related conditions. Algorithms developed to predict the effect of missense changes on protein structure and function (SIFT, PolyPhen-2, Align-GVGD) all suggest that this variant is likely to be tolerated, but these predictions have not been confirmed by published functional studies and their clinical significance is uncertain. In summary, the available evidence is currently insufficient to determine the role of this variant in disease. Therefore, it has been classified as a Variant of Uncertain Significance.

NM_022765.4(MICAL1):c.2596G>C (p.Glu866Gln)

Gene: MICAL1 (microtubule associated monooxygenase, calponin and LIM domain containing 1; minus strand). Cytogenetic location: 6q21.
Variant type: single nucleotide variant.
Coding change: c.2596G>C on transcript NM_022765.4 (MANE Select); coding-DNA position 2596, G replaced by C.
Protein change: p.Glu866Gln; replaces glutamic acid 866 with glutamine.
Molecular consequence: missense variant.
Genome position (GRCh38, 1-based): chr6:109,445,848, C>G on the plus strand (G>C on the coding strand, the complement: MICAL1 is on the minus strand). VCF-style: chr6-109445848-C-G. GRCh37 (hg19) VCF-style: chr6-109767051-C-G.
Other names: c.2338G>C, p.Glu780Gln (NM_001159291.2); c.2653G>C, p.Glu885Gln (NM_001286613.2); short protein forms E866Q, E780Q, E885Q.
Identifiers: ClinVar variation 1497261 (VCV001497261.8), dbSNP rs142601388, ClinGen allele CA3952835.